The following is an entry in ClinVar:

ClinVar aggregate classification (germline): Uncertain significance (1 of 4 stars; one submission).

Allele frequency attached by ClinVar (database versions not stated): gnomAD exomes below 0.00001.
gnomAD v4.1: 1 of 1,577,298 alleles (0.000063%); highest among the groups gnomAD compares: Non-Finnish European, 0.000087%; no homozygotes.

Submission:

Labcorp Genetics (formerly Invitae), Labcorp
Classification: Uncertain significance. Last evaluated: 2023-07-07. Review status: criteria provided, single submitter. Criteria: Invitae Variant Classification Sherloc (09022015). Collection method: clinical testing. Allele origin: germline.
Comment: The frequency data for this variant in the population databases is considered unreliable, as metrics indicate poor data quality at this position in the gnomAD database. This sequence change replaces arginine, which is basic and polar, with tryptophan, which is neutral and slightly polar, at codon 1069 of the SLC12A2 protein (p.Arg1069Trp). In summary, the available evidence is currently insufficient to determine the role of this variant in disease. Therefore, it has been classified as a Variant of Uncertain Significance. Advanced modeling of protein sequence and biophysical properties (such as structural, functional, and spatial information, amino acid conservation, physicochemical variation, residue mobility, and thermodynamic stability) performed at Invitae indicates that this missense variant is expected to disrupt SLC12A2 protein function. ClinVar contains an entry for this variant (Variation ID: 2102502). This variant has not been reported in the literature in individuals affected with SLC12A2-related conditions.

NM_001046.3(SLC12A2):c.3205C>T (p.Arg1069Trp)

Gene: SLC12A2 (solute carrier family 12 member 2; plus strand). Cytogenetic location: 5q23.3.
Variant type: single nucleotide variant.
Coding change: c.3205C>T on transcript NM_001046.3 (MANE Select); coding-DNA position 3205, C replaced by T.
Protein change: p.Arg1069Trp; replaces arginine 1069 with tryptophan.
Molecular consequence: missense variant. On other transcripts: non-coding transcript variant (1).
Genome position (GRCh38, 1-based): chr5:128,180,987, C>T. VCF-style: chr5-128180987-C-T. GRCh37 (hg19) VCF-style: chr5-127516679-C-T.
Other names: c.3157C>T, p.Arg1053Trp (NM_001256461.2); short protein forms R1053W, R1069W.
Identifiers: ClinVar variation 2102502 (VCV002102502.4), dbSNP rs1330581812, ClinGen allele CA360739585.